The following is an entry in ClinVar:

NM_001384474.1(LOXHD1):c.5731G>A (p.Gly1911Arg)

Gene: LOXHD1 (lipoxygenase homology PLAT domains 1; minus strand). Cytogenetic location: 18q21.1.
Variant type: single nucleotide variant.
Coding change: c.5731G>A on transcript NM_001384474.1 (MANE Select); coding-DNA position 5731, G replaced by A.
Protein change: p.Gly1911Arg; replaces glycine 1911 with arginine.
Molecular consequence: missense variant.
Genome position (GRCh38, 1-based): chr18:46,505,985, C>T on the plus strand (G>A on the coding strand, the complement: LOXHD1 is on the minus strand). VCF-style: chr18-46505985-C-T. GRCh37 (hg19) VCF-style: chr18-44085948-C-T.
Other names: c.2398G>A, p.Gly800Arg (NM_001145472.3); c.448G>A, p.Gly150Arg (NM_001145473.3, NM_001173129.2); c.2110G>A, p.Gly704Arg (NM_001308013.2); c.5545G>A, p.Gly1849Arg (NM_144612.7); short protein forms G1849R, G800R, G150R, G704R, G1911R.
Identifiers: ClinVar variation 505057 (VCV000505057.12), dbSNP rs780560784, ClinGen allele CA8952141.

ClinVar aggregate classification (germline): Conflicting classifications of pathogenicity. Review status: criteria provided, conflicting classifications (1 of 4 stars). 7 submissions from 7 submitters: Pathogenic (1); Likely pathogenic (3); Uncertain significance (3). Last evaluated 2026-06-12.

Conditions:
Autosomal recessive nonsyndromic hearing loss 77. Identifiers: Orphanet 90636, MedGen C2746083, MONDO:0013119, OMIM 613079.

Allele frequency attached by ClinVar (database versions not stated): gnomAD 0.00001; gnomAD exomes 0.00001; TOPMed 0.00003; ExAC 0.00004.
gnomAD v4.1: 16 of 1,552,104 alleles (0.001%); highest among the groups gnomAD compares: South Asian, 0.0048%; no homozygotes.

Submissions (7):

Myriad Genetics, Inc.
Classification: Uncertain significance for Autosomal recessive nonsyndromic hearing loss 77. Last evaluated: 2026-06-12. Review status: criteria provided, single submitter. Criteria: Myriad Autosomal Dominant, Autosomal Recessive and X-Linked Classification Criteria (2023). Collection method: clinical testing. Allele origin: unknown.
Comment: NM_144612.6(LOXHD1):c.5545G>A(G1849R) is a missense variant classified as a variant of uncertain significance in the context of nonsyndromic hearing loss, LOXHD1-related. G1849R has been observed in cases with relevant disease (PMID: 35711932, 28984810, 39271758, Siddiqui_2016_(Thesis)). Relevant functional assessments of this variant are not available in the literature. G1849R has been observed in referenced population frequency databases. In summary, there is insufficient evidence to classify NM_144612.6(LOXHD1):c.5545G>A(G1849R) as pathogenic or benign. Please note: this variant was assessed in the context of healthy population screening.

Natera, Inc.
Classification: Likely pathogenic for Autosomal recessive deafness type 77. Last evaluated: 2025-06-27. Review status: criteria provided, single submitter. Criteria: Natera Variant Classification Schema (03/2026). Collection method: clinical testing. Allele origin: germline.
Comment: The c.5545G>A variant in LOXHD1 is a missense variant predicted to cause substitution of glycine to arginine at amino acid 1849. This variant is rare in the general population with a frequency below the threshold expected for the associated phenotype(s). This variant has been observed in one or more individuals affected with the associated recessive disease, as either homozygous or compound heterozygous with a second variant (PMID: 28984810, 35711932). Computational prediction algorithms indicate this variant is likely to affect gene or protein function. Given the available evidence, this variant is classified as Likely Pathogenic.

Centre for Clinical Genetics and Genomic Diagnostics, Zealand University Hospital
Classification: Pathogenic. Last evaluated: 2024-08-19. Review status: criteria provided, single submitter. Criteria: ACMG Guidelines, 2015. Collection method: clinical testing. Allele origin: biparental. Affected: yes.

Labcorp Genetics (formerly Invitae), Labcorp
Classification: Likely pathogenic. Last evaluated: 2024-03-11. Review status: criteria provided, single submitter. Criteria: Invitae Variant Classification Sherloc (09022015). Collection method: clinical testing. Allele origin: germline.
Comment: This sequence change replaces glycine, which is neutral and non-polar, with arginine, which is basic and polar, at codon 1849 of the LOXHD1 protein (p.Gly1849Arg). This variant is present in population databases (rs780560784, gnomAD 0.01%). This missense change has been observed in individual(s) with deafness (PMID: 28984810, 35711932). In at least one individual the data is consistent with being in trans (on the opposite chromosome) from a pathogenic variant. ClinVar contains an entry for this variant (Variation ID: 505057). An algorithm developed to predict the effect of missense changes on protein structure and function (PolyPhen-2) suggests that this variant is likely to be disruptive. Algorithms developed to predict the effect of sequence changes on RNA splicing suggest that this variant may create or strengthen a splice site. In summary, the currently available evidence indicates that the variant is pathogenic, but additional data are needed to prove that conclusively. Therefore, this variant has been classified as Likely Pathogenic.

Fulgent Genetics
Classification: Likely pathogenic for Autosomal recessive nonsyndromic hearing loss 77. Last evaluated: 2024-01-04. Review status: criteria provided, single submitter. Criteria: ACMG Guidelines, 2015. Collection method: clinical testing. Allele origin: germline.

3billion
Classification: Uncertain significance for Autosomal recessive nonsyndromic hearing loss 77. Last evaluated: 2022-01-03. Review status: criteria provided, single submitter. Criteria: ACMG Guidelines, 2015. Collection method: clinical testing. Allele origin: germline. Affected: yes. Observed: 1 homozygote.
Comment: The variant is observed at an extremely low frequency in the gnomAD v2.1.1 dataset (total allele frequency: 0.000013, PM2_M). In silico tool predictions suggest damaging effect of the variant on gene or gene product (REVEL: 0.872, 3CNET: 0.919, PP3_P). Therefore, this variant is classified as uncertain significance according to the recommendation of ACMG/AMP guideline.

Laboratory for Molecular Medicine, Mass General Brigham Personalized Medicine
Classification: Uncertain significance. Last evaluated: 2016-06-02. Review status: criteria provided, single submitter. Criteria: LMM Criteria. Collection method: clinical testing. Allele origin: germline. Observed: 1 variant allele.
Comment: The p.Gly1849Arg variant in LOXHD1 has not been previously reported in individua ls with hearing loss. This variant has been identified in 1/7912 South Asian chr omosomes by the Exome Aggregation Consortium (ExAC, rg; dbSNP rs780560784); however, its frequency is not high enough to rule out a pathogenic role. Computational prediction tools and conservation analyses sugges t that this variant may impact the protein, though this information is not predi ctive enough to determine pathogenicity. In summary, the clinical significance o f the p.Gly1849Arg variant is uncertain.

Literature cited by the submitters: PubMed 28984810 (cited by Natera, Inc. and Labcorp Genetics (formerly Invitae), Labcorp); PubMed 35711932 (cited by Natera, Inc. and Labcorp Genetics (formerly Invitae), Labcorp).